The following is an entry in ClinVar:

ClinVar aggregate classification (germline): Uncertain significance. Review status: criteria provided, multiple submitters, no conflicts (2 of 4 stars). 7 submissions from 7 submitters: Uncertain significance (7). Last evaluated 2026-03-09.

Conditions:
Cardiovascular phenotype. Identifiers: MedGen CN230736.
Cardiomyopathy (CMYO). Also called: Cardiomyopathies. Identifiers: Orphanet 167848, MedGen C0878544, MONDO:0004994, HP:0001638. Inheritance: Various modes of inheritance.
Hypertrophic cardiomyopathy. Also called: HYPERTROPHIC MYOCARDIOPATHY. Identifiers: Orphanet 217569, MedGen C0007194, MeSH D002312, MONDO:0005045, HP:0001639.
MYBPC3-related disorder. Also called: MYBPC3-related condition; MYBPC3-related disease; MYBPC3-related disorders.

Allele frequency attached by ClinVar (database versions not stated): gnomAD exomes below 0.00001; TOPMed 0.00002; gnomAD 0.00004.
gnomAD v4.1: 8 of 1,566,538 alleles (0.00051%); highest among the groups gnomAD compares: African/African-American, 0.011%; no homozygotes.

Submissions (7):

PreventionGenetics, part of Exact Sciences
Classification: Uncertain significance for MYBPC3-related condition. Last evaluated: 2026-03-09. Review status: criteria provided, single submitter. Criteria: ACMG Guidelines, 2015. Collection method: clinical testing. Allele origin: germline.
Comment: The MYBPC3 c.2380C>A variant is predicted to result in the amino acid substitution p.Pro794Thr. To our knowledge, this variant has not been reported in the literature. Alternative amino acid alterations at the same codon (p.Pro794Leu and p.Pro794Gln) have been reported in individuals with hypertrophic cardiomyopathy, but the clinical significance is unknown (Supplementary Table S1, Whiffin et al. 2017. PubMed ID: 28518168; Table S1A, Walsh et al. 2017. PubMed ID: 27532257). This variant is reported in 0.011% of alleles in individuals of African descent in gnomAD and is interpreted as uncertain in ClinVar (Variation ID: 862609). At this time, the clinical significance of this variant is uncertain due to the absence of conclusive functional and genetic evidence.

Labcorp Genetics (formerly Invitae), Labcorp
Classification: Uncertain significance for Hypertrophic cardiomyopathy. Last evaluated: 2026-01-28. Review status: criteria provided, single submitter. Criteria: Invitae Variant Classification Sherloc (09022015). Collection method: clinical testing. Allele origin: germline.
Comment: This sequence change replaces proline, which is neutral and non-polar, with threonine, which is neutral and polar, at codon 794 of the MYBPC3 protein (p.Pro794Thr). The frequency data for this variant in the population databases is considered unreliable, as metrics indicate poor data quality at this position in the gnomAD database. This variant has not been reported in the literature in individuals affected with MYBPC3-related conditions. ClinVar contains an entry for this variant (Variation ID: 862609). An algorithm developed to predict the effect of missense changes on protein structure and function (PolyPhen-2) suggests that this variant is likely to be disruptive. In summary, the available evidence is currently insufficient to determine the role of this variant in disease. Therefore, it has been classified as a Variant of Uncertain Significance.

Ambry Genetics
Classification: Uncertain significance for Cardiovascular phenotype. Last evaluated: 2025-08-28. Review status: criteria provided, single submitter. Criteria: Ambry Variant Classification Scheme 2023. Collection method: clinical testing. Allele origin: germline.
Comment: The p.P794T variant (also known as c.2380C>A), located in coding exon 24 of the MYBPC3 gene, results from a C to A substitution at nucleotide position 2380. The proline at codon 794 is replaced by threonine, an amino acid with highly similar properties. Another alteration at this codon (p.P794Q, c.2381C>A) was detected in a cohort referred for hypertrophic cardiomyopathy genetic testing; however clinic details were limited (Walsh R et al. Genet. Med., 2017 02;19:192-203). This amino acid position is well conserved in available vertebrate species. In addition, the in silico prediction for this alteration is inconclusive. Since supporting evidence is limited at this time, the clinical significance of this alteration remains unclear.

GeneDx
Classification: Uncertain significance. Last evaluated: 2025-04-23. Review status: criteria provided, single submitter. Criteria: GeneDx Variant Classification Process June 2021. Collection method: clinical testing. Allele origin: germline. Affected: yes.
Comment: Not observed at significant frequency in large population cohorts (gnomAD); In silico analysis supports that this missense variant has a deleterious effect on protein structure/function; Has not been previously published as pathogenic or benign to our knowledge

Women's Health and Genetics/Laboratory Corporation of America, LabCorp
Classification: Uncertain significance. Last evaluated: 2024-09-27. Review status: criteria provided, single submitter. Criteria: LabCorp Variant Classification Summary - May 2015. Collection method: clinical testing. Allele origin: germline.
Comment: Variant summary: MYBPC3 c.2380C>A (p.Pro794Thr) results in a non-conservative amino acid change located in the Fibronectin type III (IPR003961) of the encoded protein sequence. Five of five in-silico tools predict a damaging effect of the variant on protein function. The frequency data for this variant in gnomAD is considered unreliable, as metrics indicate poor data quality at this position. To our knowledge, no occurrence of c.2380C>A in individuals affected with Dilated Cardiomyopathy and no experimental evidence demonstrating its impact on protein function have been reported. ClinVar contains an entry for this variant (Variation ID: 862609). Based on the evidence outlined above, the variant was classified as uncertain significance.

All of Us Research Program, National Institutes of Health
Classification: Uncertain significance for Hypertrophic cardiomyopathy. Last evaluated: 2024-09-23. Review status: criteria provided, single submitter. Criteria: ACMG Guidelines, 2015. Collection method: clinical testing. Allele origin: germline. Inheritance: Autosomal dominant inheritance. Observed: 2 variant alleles, 2 heterozygotes.
Comment: This missense variant replaces proline with threonine at codon 794 of the MYBPC3 protein. Computational prediction tools indicate that this variant's impact on protein structure and function is inconclusive. To our knowledge, functional studies have not been reported for this variant. This variant has not been reported in individuals affected with MYBPC3-related disorders in the literature. This variant has not been identified in the general population by the Genome Aggregation Database (gnomAD). The available evidence is insufficient to determine the role of this variant in disease conclusively. Therefore, this variant is classified as a Variant of Uncertain Significance.

This study involves interpretation of variants in research participants for the purpose of population health screening. Participant phenotype was not available at the time of variant classification. Additional details can be found in publication PMID: 35346344, PMCID: PMC8962531

Color Diagnostics, LLC DBA Color Health
Classification: Uncertain significance for Cardiomyopathy. Last evaluated: 2024-04-26. Review status: criteria provided, single submitter. Criteria: ACMG Guidelines, 2015. Collection method: clinical testing. Allele origin: germline.
Comment: This missense variant replaces proline with threonine at codon 794 of the MYBPC3 protein. Computational prediction tools indicate that this variant's impact on protein structure and function is inconclusive. To our knowledge, functional studies have not been reported for this variant. This variant has not been reported in individuals affected with MYBPC3-related disorders in the literature. This variant has not been identified in the general population by the Genome Aggregation Database (gnomAD). The available evidence is insufficient to determine the role of this variant in disease conclusively. Therefore, this variant is classified as a Variant of Uncertain Significance.

Literature cited by the submitters: PubMed 27532257 (cited by Ambry Genetics); PubMed 28518168 (cited by Ambry Genetics).

NM_000256.3(MYBPC3):c.2380C>A (p.Pro794Thr)

Gene: MYBPC3 (myosin binding protein C3; minus strand). Cytogenetic location: 11p11.2.
Variant type: single nucleotide variant.
Coding change: c.2380C>A on transcript NM_000256.3 (MANE Select); coding-DNA position 2380, C replaced by A.
Protein change: p.Pro794Thr; replaces proline 794 with threonine.
Molecular consequence: missense variant.
Genome position (GRCh38, 1-based): chr11:47,337,723, G>T on the plus strand (C>A on the coding strand, the complement: MYBPC3 is on the minus strand). VCF-style: chr11-47337723-G-T. GRCh37 (hg19) VCF-style: chr11-47359274-G-T.
Other names: short protein forms P794T.
Identifiers: ClinVar variation 862609 (VCV000862609.17), dbSNP rs1164995671, ClinGen allele CA380318710.